The following is an entry in ClinVar:

NM_024548.4(CEP97):c.1274G>T (p.Gly425Val)

Gene: CEP97 (centrosomal protein 97; plus strand). Cytogenetic location: 3q12.3.
Variant type: single nucleotide variant.
Coding change: c.1274G>T on transcript NM_024548.4 (MANE Select); coding-DNA position 1274, G replaced by T.
Protein change: p.Gly425Val; replaces glycine 425 with valine.
Molecular consequence: missense variant.
Genome position (GRCh38, 1-based): chr3:101,757,880, G>T. VCF-style: chr3-101757880-G-T. GRCh37 (hg19) VCF-style: chr3-101476724-G-T.
Other names: c.1097G>T, p.Gly366Val (NM_001303401.2); c.1172G>T, p.Gly391Val (NM_001410784.1); c.995G>T, p.Gly332Val (NM_001410785.1); short protein forms G332V, G425V, G391V, G366V.
Identifiers: ClinVar variation 2115154 (VCV002115154.4), dbSNP rs1244137632, ClinGen allele CA353877218.

ClinVar aggregate classification (germline): Uncertain significance (1 of 4 stars; one submission).

Submission:

Labcorp Genetics (formerly Invitae), Labcorp
Classification: Uncertain significance. Last evaluated: 2024-05-21. Review status: criteria provided, single submitter. Criteria: Invitae Variant Classification Sherloc (09022015). Collection method: clinical testing. Allele origin: germline.
Comment: This sequence change replaces glycine, which is neutral and non-polar, with valine, which is neutral and non-polar, at codon 425 of the CEP97 protein (p.Gly425Val). This variant is not present in population databases (gnomAD no frequency). This variant has not been reported in the literature in individuals affected with CEP97-related conditions. ClinVar contains an entry for this variant (Variation ID: 2115154). Advanced modeling of protein sequence and biophysical properties (such as structural, functional, and spatial information, amino acid conservation, physicochemical variation, residue mobility, and thermodynamic stability) performed at Invitae indicates that this missense variant is not expected to disrupt CEP97 protein function with a negative predictive value of 80%. In summary, the available evidence is currently insufficient to determine the role of this variant in disease. Therefore, it has been classified as a Variant of Uncertain Significance.